The following is an entry in ClinVar:

ClinVar aggregate classification (germline): Uncertain significance (1 of 4 stars; one submission).

Conditions:
Frontotemporal dementia and/or amyotrophic lateral sclerosis 8. Identifiers: MedGen C5436881, MONDO:0030872, OMIM 619132.

Submission:

OLLIN Analises Genomicas, OLLIN
Classification: Uncertain significance for Frontotemporal dementia and/or amyotrophic lateral sclerosis 8. Last evaluated: 2026-08-06. Review status: criteria provided, single submitter. Criteria: ACMG Guidelines 2015 PMID 25741868. Collection method: clinical testing. Allele origin: germline. Inheritance: Autosomal dominant inheritance.
Comment: This missense variant, located in exon 3 (of 19), is absent from gnomAD and ClinVar and has not been identified in the literature. In silico analysis predicts that this variant has a tolerated effect. According to the currently available evidence, this variant has been classified as uncertain significance (PM2_P, BP4).

NM_001378743.1(CYLD):c.278A>G (p.Asn93Ser)

Gene: CYLD (CYLD lysine 63 deubiquitinase; plus strand). Cytogenetic location: 16q12.1.
Variant type: single nucleotide variant.
Coding change: c.278A>G on transcript NM_001378743.1 (MANE Select); coding-DNA position 278, A replaced by G.
Protein change: p.Asn93Ser; replaces asparagine 93 with serine.
Molecular consequence: missense variant. On other transcripts: 5 prime UTR variant (2), non-coding transcript variant (1).
Genome position (GRCh38, 1-based): chr16:50,749,976, A>G. VCF-style: chr16-50749976-A-G. GRCh37 (hg19) VCF-style: chr16-50783887-A-G.
Other names: c.278A>G, p.Asn93Ser (NM_001042355.2, NM_001042412.3, NM_001378744.1 and 10 more transcripts); c.-385A>G (NM_001378754.1, NM_001378755.1); short protein forms N93S.
Identifiers: ClinVar variation 5002667 (VCV005002667.1).